The following is an entry in ClinVar:

ClinVar aggregate classification (germline): Benign. Review status: criteria provided, multiple submitters, no conflicts (2 of 4 stars). 2 submissions from 2 submitters: Benign (2). Last evaluated 2018-01-13.

Conditions:
Hypercholanemia, familial 1 (FHCA1). Identifiers: Orphanet 238475, MedGen C5542604, MONDO:0031446, OMIM 607748.

Allele frequency attached by ClinVar (database versions not stated): 1000 Genomes Project 30x 0.03404; 1000 Genomes Project 0.03594; TOPMed 0.03596; gnomAD 0.03623 and 0.03742; gnomAD exomes 0.06667.
gnomAD v4.1: 5,725 of 152,950 alleles (3.7%); highest among the groups gnomAD compares: Middle Eastern, 10%; 146 homozygotes.

Submissions (2):

Illumina Laboratory Services, Illumina
Classification: Benign for Hypercholanemia, familial 1. Last evaluated: 2018-01-13. Review status: criteria provided, single submitter. Criteria: ICSL Variant Classification Criteria 13 December 2019. Collection method: clinical testing. Allele origin: germline.
Comment: This variant was observed in the ICSL laboratory as part of a predisposition screen in an ostensibly healthy population. It had not been previously curated by ICSL or reported in the Human Gene Mutation Database (HGMD: prior to June 1st, 2018), and was therefore a candidate for classification through an automated scoring system. Utilizing variant allele frequency, disease prevalence and penetrance estimates, and inheritance mode, an automated score was calculated to assess if this variant is too frequent to cause the disease. Based on the score and internal cut-off values, a variant classified as benign is not then subjected to further curation. The score for this variant resulted in a classification of benign for this disease.

Breakthrough Genomics
Classification: Benign. Review status: criteria provided, single submitter. Criteria: ACMG Guidelines, 2015. Collection method: not provided. Allele origin: germline. Inheritance: Autosomal recessive inheritance. Affected: yes.

NM_001701.4(BAAT):c.*1090A>G

Gene: BAAT (bile acid-CoA:amino acid N-acyltransferase; minus strand). Cytogenetic location: 9q31.1.
Variant type: single nucleotide variant.
Coding change: c.*1090A>G on transcript NM_001701.4 (MANE Select); 1090 bases downstream of the stop codon, A replaced by G.
Molecular consequence: 3 prime UTR variant.
Genome position (GRCh38, 1-based): chr9:101,361,338, T>C on the plus strand (A>G on the coding strand, the complement: BAAT is on the minus strand). VCF-style: chr9-101361338-T-C. GRCh37 (hg19) VCF-style: chr9-104123620-T-C.
Other names: c.*1090A>G (NM_001127610.2, NM_001374715.1).
Identifiers: ClinVar variation 364262 (VCV000364262.6), dbSNP rs76498584, ClinGen allele CA10628591.